The following is an entry in ClinVar:

NM_000136.3(FANCC):c.1138dup (p.Glu380fs)

Genes: AOPEP (aminopeptidase O (putative); plus strand), FANCC (FA complementation group C; minus strand). Cytogenetic location: 9q22.32.
Variant type: Duplication.
Coding change: c.1138dup on transcript NM_000136.3 (MANE Select); coding-DNA position 1138, one base duplicated (G; older notation c.1138dupG).
Protein change: p.Glu380fs; shifts the reading frame from glutamic acid 380.
Molecular consequence: frameshift variant.
Genome position (GRCh38, 1-based): chr9:95,114,645, C duplicated on the plus strand (G on the coding strand, the reverse complement: FANCC is on the minus strand). VCF-style (leftmost placement, unchanged base first): chr9-95114644-T-TC. GRCh37 (hg19) VCF-style: chr9-97876926-T-TC.
Other names: c.1138dup, p.Glu380fs (NM_001243743.2, NM_001243744.2); short protein forms E380fs.
Identifiers: ClinVar variation 4710359 (VCV004710359.1).

ClinVar aggregate classification (germline): Pathogenic (1 of 4 stars; one submission).

Conditions:
Fanconi anemia (FA). Also called: Fanconi's anemia. Identifiers: Orphanet 84, MedGen C0015625, MeSH D005199, MONDO:0019391.

Submission:

Labcorp Genetics (formerly Invitae), Labcorp
Classification: Pathogenic for Fanconi anemia. Last evaluated: 2026-01-12. Review status: criteria provided, single submitter. Criteria: Invitae Variant Classification Sherloc (09022015). Collection method: clinical testing. Allele origin: germline.
Comment: This sequence change creates a premature translational stop signal (p.Glu380Glyfs*13) in the FANCC gene. It is expected to result in an absent or disrupted protein product. Loss-of-function variants in FANCC are known to be pathogenic (PMID: 17924555). This variant is not present in population databases (gnomAD no frequency). This variant has not been reported in the literature in individuals affected with FANCC-related conditions. For these reasons, this variant has been classified as Pathogenic.

Literature cited by the submitters: PubMed 17924555.